The following is an entry in ClinVar:

ClinVar aggregate classification (germline): Conflicting classifications of pathogenicity. Review status: criteria provided, conflicting classifications (1 of 4 stars). 2 submissions from 2 submitters: Uncertain significance (1); Likely benign (1). Last evaluated 2024-03-12.

Allele frequency attached by ClinVar (database versions not stated): TOPMed below 0.00001; gnomAD exomes 0.00001; ExAC 0.00008.

Submissions (2):

Blueprint Genetics
Classification: Likely benign. Last evaluated: 2024-03-12. Review status: criteria provided, single submitter. Criteria: ACMG Guidelines, 2015. Collection method: clinical testing. Allele origin: germline.

Labcorp Genetics (formerly Invitae), Labcorp
Classification: Uncertain significance. Last evaluated: 2019-10-28. Review status: criteria provided, single submitter. Criteria: Invitae Variant Classification Sherloc (09022015). Collection method: clinical testing. Allele origin: germline.
Comment: This sequence change falls in intron 36 of the EYS gene. It does not directly change the encoded amino acid sequence of the EYS protein, but it affects a nucleotide within the consensus splice site of the intron. While this variant is present in population databases (rs750245367), the frequency information is unreliable, as metrics indicate poor data quality at this position in the ExAC database. This variant has not been reported in the literature in individuals with EYS-related conditions. Nucleotide substitutions within the consensus splice site are a relatively common cause of aberrant splicing (PMID: 17576681, 9536098). Algorithms developed to predict the effect of sequence changes on RNA splicing suggest that this variant is not likely to affect RNA splicing, but this prediction has not been confirmed by published transcriptional studies. In summary, the available evidence is currently insufficient to determine the role of this variant in disease. Therefore, it has been classified as a Variant of Uncertain Significance.

Literature cited by the submitters: PubMed 17576681 (cited by Labcorp Genetics (formerly Invitae), Labcorp); PubMed 9536098 (cited by Labcorp Genetics (formerly Invitae), Labcorp).

NM_001142800.2(EYS):c.7228+6A>G

Gene: EYS (EGF-like photoreceptor maintenance factor; minus strand). Cytogenetic location: 6q12.
Variant type: single nucleotide variant.
Coding change: c.7228+6A>G on transcript NM_001142800.2 (MANE Select); 6 bases into the intron after coding-DNA position 7228, A replaced by G.
Molecular consequence: intron variant.
Genome position (GRCh38, 1-based): chr6:63,864,180, T>C on the plus strand (A>G on the coding strand, the complement: EYS is on the minus strand). VCF-style: chr6-63864180-T-C. GRCh37 (hg19) VCF-style: chr6-64574073-T-C.
Other names: c.7228+6A>G (NM_001292009.2).
Identifiers: ClinVar variation 971617 (VCV000971617.5), dbSNP rs750245367, ClinGen allele CA3876833.